The following is an entry in ClinVar:

NM_032888.4(COL27A1):c.4201G>A (p.Ala1401Thr)

Genes: COL27A1 (collagen type XXVII alpha 1 chain; plus strand), LOC126860736 (MED14-independent group 3 enhancer GRCh37_chr9:117050487-117051686; plus strand). Cytogenetic location: 9q32.
Variant type: single nucleotide variant.
Coding change: c.4201G>A on transcript NM_032888.4 (MANE Select); coding-DNA position 4201, G replaced by A.
Protein change: p.Ala1401Thr; replaces alanine 1401 with threonine.
Molecular consequence: missense variant.
Genome position (GRCh38, 1-based): chr9:114,289,290, G>A. VCF-style: chr9-114289290-G-A. GRCh37 (hg19) VCF-style: chr9-117051570-G-A.
Other names: short protein forms A1401T.
Identifiers: ClinVar variation 3703938 (VCV003703938.2).
Genomic context (GRCh38, chr9:114,289,290, plus strand): 5'-CTTGGTTTGCAGGGGCATCCGGGACCCCGGGGGTGGCCGGGACCCAAAGGATCGAAAGGC[G>A]CAGAGGTAAGAGGGCCGGGGGTTCAGCAGGGAGACTGAGTCCCAGGAAGGGGGAAGCCTG-3'
Protein context (NP_116277.2, residues 1391-1411): GWPGPKGSKG[Ala1401Thr]EGPKGKQGKA

ClinVar aggregate classification (germline): Uncertain significance (1 of 4 stars; one submission).

gnomAD v4.1: 41 of 1,588,676 alleles (0.0026%); highest among the groups gnomAD compares: South Asian, 0.037%; no homozygotes.

Submission:

Labcorp Genetics (formerly Invitae), Labcorp
Classification: Uncertain significance. Last evaluated: 2024-10-22. Review status: criteria provided, single submitter. Criteria: Invitae Variant Classification Sherloc (09022015). Collection method: clinical testing. Allele origin: germline.
Comment: This sequence change replaces alanine, which is neutral and non-polar, with threonine, which is neutral and polar, at codon 1401 of the COL27A1 protein (p.Ala1401Thr). The frequency data for this variant in the population databases is considered unreliable, as metrics indicate poor data quality at this position in the gnomAD database. This variant has not been reported in the literature in individuals affected with COL27A1-related conditions. Invitae Evidence Modeling of protein sequence and biophysical properties (such as structural, functional, and spatial information, amino acid conservation, physicochemical variation, residue mobility, and thermodynamic stability) indicates that this missense variant is not expected to disrupt COL27A1 protein function with a negative predictive value of 80%. In summary, the available evidence is currently insufficient to determine the role of this variant in disease. Therefore, it has been classified as a Variant of Uncertain Significance.